The following is an entry in ClinVar:

ClinVar aggregate classification (germline): Uncertain significance. Review status: criteria provided, multiple submitters, no conflicts (2 of 4 stars). 2 submissions from 2 submitters: Uncertain significance (2). Last evaluated 2025-07-27.

Allele frequency attached by ClinVar (database versions not stated): gnomAD exomes 0.00004; ExAC 0.00005; gnomAD 0.00013 and 0.00014; ESP Exome Variant Server 0.00015; TOPMed 0.00015.
gnomAD v4.1: 35 of 1,614,102 alleles (0.0022%); highest among the groups gnomAD compares: African/African-American, 0.045%; no homozygotes.

Submissions (2):

Labcorp Genetics (formerly Invitae), Labcorp
Classification: Uncertain significance. Last evaluated: 2025-07-27. Review status: criteria provided, single submitter. Criteria: Invitae Variant Classification Sherloc (09022015). Collection method: clinical testing. Allele origin: germline.
Comment: This sequence change replaces alanine, which is neutral and non-polar, with aspartic acid, which is acidic and polar, at codon 328 of the SLC7A14 protein (p.Ala328Asp). This variant is present in population databases (rs146072018, gnomAD 0.06%), and has an allele count higher than expected for a pathogenic variant. This variant has not been reported in the literature in individuals affected with SLC7A14-related conditions. ClinVar contains an entry for this variant (Variation ID: 961646). An algorithm developed to predict the effect of missense changes on protein structure and function (PolyPhen-2) suggests that this variant is likely to be tolerated. In summary, the available evidence is currently insufficient to determine the role of this variant in disease. Therefore, it has been classified as a Variant of Uncertain Significance.

Ambry Genetics
Classification: Uncertain significance. Last evaluated: 2022-01-05. Review status: criteria provided, single submitter. Criteria: Ambry Variant Classification Scheme 2023. Collection method: clinical testing. Allele origin: germline.

NM_020949.3(SLC7A14):c.983C>A (p.Ala328Asp)

Genes: SLC7A14 (solute carrier family 7 member 14; minus strand), SLC7A14-AS1 (SLC7A14 antisense RNA 1; plus strand). Cytogenetic location: 3q26.2.
Variant type: single nucleotide variant.
Coding change: c.983C>A on transcript NM_020949.3 (MANE Select); coding-DNA position 983, C replaced by A.
Protein change: p.Ala328Asp; replaces alanine 328 with aspartic acid.
Molecular consequence: missense variant.
Genome position (GRCh38, 1-based): chr3:170,483,446, G>T on the plus strand (C>A on the coding strand, the complement: SLC7A14 is on the minus strand). VCF-style: chr3-170483446-G-T. GRCh37 (hg19) VCF-style: chr3-170201235-G-T.
Other names: short protein forms A328D.
Identifiers: ClinVar variation 961646 (VCV000961646.8), dbSNP rs146072018, ClinGen allele CA2701749.